The following is an entry in ClinVar:

NM_001171038.2(ASMT):c.910+8del

Gene: ASMT (acetylserotonin O-methyltransferase; plus strand). Cytogenetic location: Xp22.33.
Variant type: Deletion.
Coding change: c.910+8del on transcript NM_001171038.2 (MANE Select); 8 bases into the intron after coding-DNA position 910, one base deleted (G; older notation c.910+8delG).
Molecular consequence: intron variant.
Genome position (GRCh38, 1-based): chrX:1,636,568, G deleted. VCF-style (leftmost placement, unchanged base first): chrX-1636567-TG-T. GRCh37 (hg19) VCF-style: chrX-1755460-TG-T.
Other names: NM_004043.2:c.910+8delG; c.826+8del (NM_001416525.1); c.685+8del (NM_001171039.1).
Identifiers: ClinVar variation 3036440 (VCV003036440.2), dbSNP rs11346829, ClinGen allele CA10335060.

ClinVar aggregate classification (germline): Likely benign (0 of 4 stars; one submission).

Conditions:
ASMT-related disorder. Also called: ASMT-related condition.

Allele frequency attached by ClinVar (database versions not stated): gnomAD exomes 0.12831; ExAC 0.13756; TOPMed 0.15016; gnomAD 0.15050; 1000 Genomes Project 30x 0.15505; 1000 Genomes Project 0.15656; ESP Exome Variant Server 0.15675.

Submission:

PreventionGenetics, part of Exact Sciences
Classification: Likely benign for ASMT-related condition. Last evaluated: 2021-02-22. Review status: no assertion criteria provided. Collection method: clinical testing. Allele origin: germline.
Comment: This variant is classified as likely benign based on ACMG/AMP sequence variant interpretation guidelines (Richards et al. 2015 PMID: 25741868, with internal and published modifications).